The following is an entry in ClinVar:

NM_000057.4(BLM):c.1281G>C (p.Leu427Phe)

Gene: BLM (BLM RecQ like helicase; plus strand). Cytogenetic location: 15q26.1.
Variant type: single nucleotide variant.
Coding change: c.1281G>C on transcript NM_000057.4 (MANE Select); coding-DNA position 1281, G replaced by C.
Protein change: p.Leu427Phe; replaces leucine 427 with phenylalanine.
Molecular consequence: missense variant.
Genome position (GRCh38, 1-based): chr15:90,760,654, G>C. VCF-style: chr15-90760654-G-C. GRCh37 (hg19) VCF-style: chr15-91303884-G-C.
Other names: c.1281G>C, p.Leu427Phe (NM_001287246.2, NM_001287247.2); c.156G>C, p.Leu52Phe (NM_001287248.2); short protein forms L52F, L427F.
Identifiers: ClinVar variation 3261053 (VCV003261053.1).

ClinVar aggregate classification (germline): Uncertain significance (1 of 4 stars; one submission).

Conditions:
Hereditary cancer-predisposing syndrome. Also called: Hereditary Cancer Syndrome; Tumor predisposition; Hereditary neoplastic syndrome; Neoplastic Syndromes, Hereditary. Identifiers: Orphanet 140162, MedGen C0027672, MeSH D009386, MONDO:0015356.

Submission:

Ambry Genetics
Classification: Uncertain significance for Hereditary cancer-predisposing syndrome. Last evaluated: 2024-06-12. Review status: criteria provided, single submitter. Criteria: Ambry Variant Classification Scheme 2023. Collection method: clinical testing. Allele origin: germline.
Comment: The p.L427F variant (also known as c.1281G>C), located in coding exon 6 of the BLM gene, results from a G to C substitution at nucleotide position 1281. The leucine at codon 427 is replaced by phenylalanine, an amino acid with highly similar properties. This amino acid position is conserved. In addition, this alteration is predicted to be tolerated by in silico analysis. Based on the available evidence, the clinical significance of this variant remains unclear.